The following is an entry in ClinVar:

NM_018706.7(DHTKD1):c.1610A>G (p.Lys537Arg)

Gene: DHTKD1 (dehydrogenase E1 and transketolase domain containing 1; plus strand). Cytogenetic location: 10p14.
Variant type: single nucleotide variant.
Coding change: c.1610A>G on transcript NM_018706.7 (MANE Select); coding-DNA position 1610, A replaced by G.
Protein change: p.Lys537Arg; replaces lysine 537 with arginine.
Molecular consequence: missense variant.
Genome position (GRCh38, 1-based): chr10:12,097,935, A>G. VCF-style: chr10-12097935-A-G. GRCh37 (hg19) VCF-style: chr10-12139934-A-G.
Other names: short protein forms K537R.
Identifiers: ClinVar variation 3026260 (VCV003026260.22), dbSNP rs2491492051, ClinGen allele CA376021656.

ClinVar aggregate classification (germline): Uncertain significance (1 of 4 stars; one submission).

Submission:

CeGaT Center for Human Genetics Tuebingen
Classification: Uncertain significance. Last evaluated: 2023-12-01. Review status: criteria provided, single submitter. Criteria: CeGaT Center For Human Genetics Tuebingen Variant Classification Criteria Version 2. Collection method: clinical testing. Allele origin: germline. Affected: yes. Observed: 1 variant allele.
Comment: DHTKD1: PM2, BP4